The following is an entry in ClinVar:

ClinVar aggregate classification (germline): Likely pathogenic. Review status: criteria provided, single submitter (1 of 4 stars). 2 submissions from 2 submitters: Likely pathogenic (1). 1 of the submissions does not count toward it. Last evaluated 2022-08-18.

Conditions:
D,L-2-hydroxyglutaric aciduria (D2L2AD). Also called: Combined D-2- and L-2-hydroxyglutaric aciduria. Identifiers: Orphanet 356978, MedGen C5574940, MONDO:0014072, OMIM 615182.

gnomAD v4.1: 5 of 1,613,090 alleles (0.00031%); highest among the groups gnomAD compares: Admixed American, 0.0017%; no homozygotes.

Submissions (2):

GeneDx
Classification: Likely pathogenic. Last evaluated: 2022-08-18. Review status: criteria provided, single submitter. Criteria: GeneDx Variant Classification Process June 2021. Collection method: clinical testing. Allele origin: germline. Affected: yes.
Comment: Published functional studies demonstrate a damaging effect: loss of citrate transport activity (Majd et al., 2018); Not observed at significant frequency in large population cohorts (gnomAD); In silico analysis supports that this missense variant has a deleterious effect on protein structure/function; This variant is associated with the following publications: (PMID: 29651165, 29238895, 29031613, 23561848)

OMIM
Classification: Pathogenic for COMBINED D-2- AND L-2-HYDROXYGLUTARIC ACIDURIA. Last evaluated: 2013-04-04. Review status: no assertion criteria provided. Collection method: literature only. Allele origin: germline. Not counted in ClinVar's aggregate classification.

Literature cited by the submitters: PubMed 23561848 (cited by OMIM).

NM_005984.5(SLC25A1):c.844C>G (p.Arg282Gly)

Gene: SLC25A1 (solute carrier family 25 member 1; minus strand). Cytogenetic location: 22q11.21.
Variant type: single nucleotide variant.
Coding change: c.844C>G on transcript NM_005984.5 (MANE Select); coding-DNA position 844, C replaced by G.
Protein change: p.Arg282Gly; replaces arginine 282 with glycine.
Molecular consequence: missense variant. On other transcripts: non-coding transcript variant (1).
Genome position (GRCh38, 1-based): chr22:19,176,222, G>C on the plus strand (C>G on the coding strand, the complement: SLC25A1 is on the minus strand). VCF-style: chr22-19176222-G-C. GRCh37 (hg19) VCF-style: chr22-19163735-G-C.
Other names: c.844C>G (NM_005984.3); c.865C>G, p.Arg289Gly (NM_001256534.2); c.535C>G, p.Arg179Gly (NM_001287387.2); short protein forms R282G, R179G, R289G.
Identifiers: ClinVar variation 42193 (VCV000042193.4), dbSNP rs431905509, ClinGen allele CA130978.